The following is an entry in ClinVar:

ClinVar aggregate classification (germline): Uncertain significance (1 of 4 stars; one submission).

Conditions:
Malignant hyperthermia, susceptibility to, 1 (MHS1). Also called: RYR1-Related Malignant Hyperthermia Susceptibility; Malignant hyperthermia suceptibility 1; Anesthesia related hyperthermia; Malignant hyperpyrexia; Fulminating hyperpyrexia; Pharmacogenic myopathy. Identifiers: Orphanet 423, MedGen C2930980, MONDO:0007783, OMIM 145600.

Submission:

Color Diagnostics, LLC DBA Color Health
Classification: Uncertain significance for Malignant hyperthermia, susceptibility to, 1. Last evaluated: 2025-07-08. Review status: criteria provided, single submitter. Criteria: ACMG Guidelines, 2015. Collection method: clinical testing. Allele origin: germline.
Comment: This missense variant replaces tyrosine with serine at codon 1048 of the RYR1 protein. Computational prediction suggests that this variant may have deleterious impact on protein structure and function. To our knowledge, functional studies have not been reported for this variant. This variant has not been reported in individuals affected with RYR1-related disorders in the literature. This variant has not been identified in the general population by the Genome Aggregation Database (gnomAD). The available evidence is insufficient to determine the role of this variant in disease conclusively. Therefore, this variant is classified as a Variant of Uncertain Significance.

NM_000540.3(RYR1):c.3143A>C (p.Tyr1048Ser)

Gene: RYR1 (ryanodine receptor 1; plus strand). Cytogenetic location: 19q13.2.
Variant type: single nucleotide variant.
Coding change: c.3143A>C on transcript NM_000540.3 (MANE Select); coding-DNA position 3143, A replaced by C.
Protein change: p.Tyr1048Ser; replaces tyrosine 1048 with serine.
Molecular consequence: missense variant.
Genome position (GRCh38, 1-based): chr19:38,466,363, A>C. VCF-style: chr19-38466363-A-C. GRCh37 (hg19) VCF-style: chr19-38957003-A-C.
Other names: c.3143A>C, p.Tyr1048Ser (NM_001042723.2); short protein forms Y1048S.
Identifiers: ClinVar variation 4758943 (VCV004758943.1).